The following is an entry in ClinVar:

ClinVar aggregate classification (germline): Uncertain significance (1 of 4 stars; one submission).

Conditions:
Adenylosuccinate lyase deficiency (ADSLD). Also called: ADSL DEFICIENCY. Identifiers: Orphanet 46, MedGen C0268126, MONDO:0007068, OMIM 103050.

Allele frequency attached by ClinVar (database versions not stated): gnomAD 0.00001; TOPMed 0.00002.

Submission:

Labcorp Genetics (formerly Invitae), Labcorp
Classification: Uncertain significance for Adenylosuccinate lyase deficiency. Last evaluated: 2022-10-17. Review status: criteria provided, single submitter. Criteria: Invitae Variant Classification Sherloc (09022015). Collection method: clinical testing. Allele origin: germline.
Comment: In summary, the available evidence is currently insufficient to determine the role of this variant in disease. Therefore, it has been classified as a Variant of Uncertain Significance. Experimental studies and prediction algorithms are not available or were not evaluated, and the functional significance of this variant is currently unknown. This variant has not been reported in the literature in individuals affected with ADSL-related conditions. This variant is not present in population databases (gnomAD no frequency). This variant occurs in a non-coding region of the ADSL gene. It does not change the encoded amino acid sequence of the ADSL protein.

NC_000022.11:g.40345643T>C

Gene: ADSL (adenylosuccinate lyase; plus strand). Cytogenetic location: 22q13.1.
Variant type: single nucleotide variant.
Genome position: GRCh38 VCF-style: chr22-40345643-T-C. GRCh37 (hg19) VCF-style: chr22-40741647-T-C.
Identifiers: ClinVar variation 1497017 (VCV001497017.5), dbSNP rs1018230570, ClinGen allele CA324446336.